The following is an entry in ClinVar:

ClinVar aggregate classification (germline): Uncertain significance. Review status: criteria provided, multiple submitters, no conflicts (2 of 4 stars). 2 submissions from 2 submitters: Uncertain significance (2). Last evaluated 2025-05-20.

Conditions:
Colorectal cancer, hereditary nonpolyposis, type 7. Identifiers: Orphanet 144, MedGen C1858380, MONDO:0013725, OMIM 614385.

Submissions (2):

Ambry Genetics
Classification: Uncertain significance. Last evaluated: 2025-05-20. Review status: criteria provided, single submitter. Criteria: Ambry Variant Classification Scheme 2023. Collection method: clinical testing. Allele origin: germline.
Comment: The p.H494Y variant (also known as c.1480C>T), located in coding exon 1 of the MLH3 gene, results from a C to T substitution at nucleotide position 1480. The histidine at codon 494 is replaced by tyrosine, an amino acid with similar properties. This amino acid position is conserved. In addition, this alteration is predicted to be tolerated by in silico analysis. Based on the available evidence, the clinical significance of this variant remains unclear.

Labcorp Genetics (formerly Invitae), Labcorp
Classification: Uncertain significance for Colorectal cancer, hereditary nonpolyposis, type 7. Last evaluated: 2022-01-07. Review status: criteria provided, single submitter. Criteria: Invitae Variant Classification Sherloc (09022015). Collection method: clinical testing. Allele origin: germline.
Comment: In summary, the available evidence is currently insufficient to determine the role of this variant in disease. Therefore, it has been classified as a Variant of Uncertain Significance. Algorithms developed to predict the effect of missense changes on protein structure and function (SIFT, PolyPhen-2, Align-GVGD) all suggest that this variant is likely to be tolerated. This variant has not been reported in the literature in individuals affected with MLH3-related conditions. This variant is not present in population databases (gnomAD no frequency). This sequence change replaces histidine, which is basic and polar, with tyrosine, which is neutral and polar, at codon 494 of the MLH3 protein (p.His494Tyr).

NM_001040108.2(MLH3):c.1480C>T (p.His494Tyr)

Gene: MLH3 (mutL homolog 3; minus strand). Cytogenetic location: 14q24.3.
Variant type: single nucleotide variant.
Coding change: c.1480C>T on transcript NM_001040108.2 (MANE Select); coding-DNA position 1480, C replaced by T.
Protein change: p.His494Tyr; replaces histidine 494 with tyrosine.
Molecular consequence: missense variant.
Genome position (GRCh38, 1-based): chr14:75,048,176, G>A on the plus strand (C>T on the coding strand, the complement: MLH3 is on the minus strand). VCF-style: chr14-75048176-G-A. GRCh37 (hg19) VCF-style: chr14-75514879-G-A.
Other names: c.1480C>T, p.His494Tyr (NM_014381.3); c.1480C>T (NM_001040108.1); short protein forms H494Y.
Identifiers: ClinVar variation 1508870 (VCV001508870.9), dbSNP rs2139582511, ClinGen allele CA390445416.